The following is an entry in ClinVar:

ClinVar aggregate classification (germline): Uncertain significance (1 of 4 stars; one submission).

Submission:

Labcorp Genetics (formerly Invitae), Labcorp
Classification: Uncertain significance. Last evaluated: 2024-10-08. Review status: criteria provided, single submitter. Criteria: Invitae Variant Classification Sherloc (09022015). Collection method: clinical testing. Allele origin: germline.
Comment: This sequence change replaces tyrosine, which is neutral and polar, with histidine, which is basic and polar, at codon 672 of the TRPC3 protein (p.Tyr672His). This variant is not present in population databases (gnomAD no frequency). This variant has not been reported in the literature in individuals affected with TRPC3-related conditions. Invitae Evidence Modeling of protein sequence and biophysical properties (such as structural, functional, and spatial information, amino acid conservation, physicochemical variation, residue mobility, and thermodynamic stability) indicates that this missense variant is expected to disrupt TRPC3 protein function with a positive predictive value of 80%. In summary, the available evidence is currently insufficient to determine the role of this variant in disease. Therefore, it has been classified as a Variant of Uncertain Significance.

NM_001130698.2(TRPC3):c.2014T>C (p.Tyr672His)

Gene: TRPC3 (transient receptor potential cation channel subfamily C member 3; minus strand). Cytogenetic location: 4q27.
Variant type: single nucleotide variant.
Coding change: c.2014T>C on transcript NM_001130698.2 (MANE Select); coding-DNA position 2014, T replaced by C.
Protein change: p.Tyr672His; replaces tyrosine 672 with histidine.
Molecular consequence: missense variant.
Genome position (GRCh38, 1-based): chr4:121,907,346, A>G on the plus strand (T>C on the coding strand, the complement: TRPC3 is on the minus strand). VCF-style: chr4-121907346-A-G. GRCh37 (hg19) VCF-style: chr4-122828501-A-G.
Other names: c.2014T>C, p.Tyr672His (NM_001366479.2); c.1795T>C, p.Tyr599His (NM_003305.2); short protein forms Y672H, Y599H.
Identifiers: ClinVar variation 3664934 (VCV003664934.2).